The following is an entry in ClinVar:

ClinVar aggregate classification (germline): Uncertain significance (1 of 4 stars; one submission).

Submission:

Ambry Genetics
Classification: Uncertain significance. Last evaluated: 2025-07-03. Review status: criteria provided, single submitter. Criteria: Ambry Variant Classification Scheme 2023. Collection method: clinical testing. Allele origin: germline.
Comment: The p.T651I variant (also known as c.1952C>T), located in coding exon 20 of the RASA2 gene, results from a C to T substitution at nucleotide position 1952. The threonine at codon 651 is replaced by isoleucine, an amino acid with similar properties. This amino acid position is conserved. In addition, this alteration is predicted to be tolerated by in silico analysis. Based on the available evidence, the clinical significance of this variant remains unclear.

NM_006506.5(RASA2):c.1952C>T (p.Thr651Ile)

Gene: RASA2 (RAS p21 protein activator 2; plus strand). Cytogenetic location: 3q23.
Variant type: single nucleotide variant.
Coding change: c.1952C>T on transcript NM_006506.5 (MANE Select); coding-DNA position 1952, C replaced by T.
Protein change: p.Thr651Ile; replaces threonine 651 with isoleucine.
Molecular consequence: missense variant.
Genome position (GRCh38, 1-based): chr3:141,607,696, C>T. VCF-style: chr3-141607696-C-T. GRCh37 (hg19) VCF-style: chr3-141326538-C-T.
Other names: c.1955C>T, p.Thr652Ile (NM_001303245.3); c.1964C>T, p.Thr655Ile (NM_001303246.3); short protein forms T651I, T655I, T652I.
Identifiers: ClinVar variation 4150733 (VCV004150733.1).
Genomic context (GRCh38, chr3:141,607,696, plus strand): 5'-TGGAAATTACTTTAATTTTGTTTTACTTTTTTTATTATTTAGGCAAAGATGCAATCTACA[C>T]AATCCCAGTAAAAAACATTCTTGCTGTGGAAAAACTGGAAGAGAGCTCTTTCAACAAGAA-3'
Protein context (NP_006497.2, residues 641-661): HKQPGKDAIY[Thr651Ile]IPVKNILAVE